The following is an entry in ClinVar:

NM_001098511.3(KIF2A):c.1569T>C (p.Arg523=)

Gene: KIF2A (kinesin family member 2A; plus strand). Cytogenetic location: 5q12.1.
Variant type: single nucleotide variant.
Coding change: c.1569T>C on transcript NM_001098511.3 (MANE Select); coding-DNA position 1569, T replaced by C.
Protein change: p.Arg523=; no amino-acid change (arginine 523 retained).
Molecular consequence: synonymous variant.
Genome position (GRCh38, 1-based): chr5:62,365,344, T>C. VCF-style: chr5-62365344-T-C. GRCh37 (hg19) VCF-style: chr5-61661171-T-C.
Other names: c.1488T>C, p.Arg496= (NM_001243952.2); c.1512T>C, p.Arg504= (NM_001243953.2); c.1569T>C, p.Arg523= (NM_004520.5).
Identifiers: ClinVar variation 718715 (VCV000718715.11), dbSNP rs183057543, ClinGen allele CA3279000.
Genomic context (GRCh38, chr5:62,365,344, plus strand): 5'-TTTCCGTGCAAGTAAACTCACTCAGGTGTTAAGAGATTCTTTCATAGGTGAAAACTCTCG[T>C]ACCTGCATGGTAAGTTTATGTTTATTTTTTGTTTGTTTTATTTTAATCCTAAAGGAATAA-3'
Protein context (NP_001091981.1, residues 513-533): LRDSFIGENS[Arg523=]TCMIATISPG

ClinVar aggregate classification (germline): Likely benign. Review status: criteria provided, single submitter (1 of 4 stars). 2 submissions from 2 submitters: Likely benign (1). 1 of the submissions does not count toward it. Last evaluated 2026-01-17.

Conditions:
KIF2A-related disorder. Also called: KIF2A-related condition.

Allele frequency attached by ClinVar (database versions not stated): gnomAD exomes 0.00004 and 0.00011; ExAC 0.00009; TOPMed 0.00014; gnomAD 0.00020; 1000 Genomes Project 30x 0.00031; 1000 Genomes Project 0.00040.
gnomAD v4.1: 84 of 1,526,364 alleles (0.0055%); highest among the groups gnomAD compares: Admixed American, 0.11%; 1 homozygote.

Submissions (2):

Labcorp Genetics (formerly Invitae), Labcorp
Classification: Likely benign. Last evaluated: 2026-01-17. Review status: criteria provided, single submitter. Criteria: Invitae Variant Classification Sherloc (09022015). Collection method: clinical testing. Allele origin: germline.

PreventionGenetics, part of Exact Sciences
Classification: Likely benign for KIF2A-related condition. Last evaluated: 2020-02-05. Review status: no assertion criteria provided. Collection method: clinical testing. Allele origin: germline. Not counted in ClinVar's aggregate classification.
Comment: This variant is classified as likely benign based on ACMG/AMP sequence variant interpretation guidelines (Richards et al. 2015 PMID: 25741868, with internal and published modifications).